The following is an entry in ClinVar:

NM_004004.6(GJB2):c.207C>G (p.Phe69Leu)

Gene: GJB2 (gap junction protein beta 2; minus strand). Cytogenetic location: 13q12.11.
Variant type: single nucleotide variant.
Coding change: c.207C>G on transcript NM_004004.6 (MANE Select); coding-DNA position 207, C replaced by G.
Protein change: p.Phe69Leu; replaces phenylalanine 69 with leucine.
Molecular consequence: missense variant.
Genome position (GRCh38, 1-based): chr13:20,189,375, G>C on the plus strand (C>G on the coding strand, the complement: GJB2 is on the minus strand). VCF-style: chr13-20189375-G-C. GRCh37 (hg19) VCF-style: chr13-20763514-G-C.
Other names: short protein forms F69L.
Identifiers: ClinVar variation 2095560 (VCV002095560.4), dbSNP rs2500252222, ClinGen allele CA387461621.

ClinVar aggregate classification (germline): Likely pathogenic (1 of 4 stars; one submission).

Submission:

Labcorp Genetics (formerly Invitae), Labcorp
Classification: Likely pathogenic. Last evaluated: 2022-07-19. Review status: criteria provided, single submitter. Criteria: Invitae Variant Classification Sherloc (09022015). Collection method: clinical testing. Allele origin: germline.
Comment: In summary, the currently available evidence indicates that the variant is pathogenic, but additional data are needed to prove that conclusively. Therefore, this variant has been classified as Likely Pathogenic. Advanced modeling of protein sequence and biophysical properties (such as structural, functional, and spatial information, amino acid conservation, physicochemical variation, residue mobility, and thermodynamic stability) performed at Invitae indicates that this missense variant is expected to disrupt GJB2 protein function. This missense change has been observed in individual(s) with deafness (PMID: 28405014). In at least one individual the data is consistent with being in trans (on the opposite chromosome) from a pathogenic variant. This variant is not present in population databases (gnomAD no frequency). This sequence change replaces phenylalanine, which is neutral and non-polar, with leucine, which is neutral and non-polar, at codon 69 of the GJB2 protein (p.Phe69Leu).

Literature cited by the submitters: PubMed 28405014.